The following is an entry in ClinVar:

NM_014629.4(ARHGEF10):c.76G>C (p.Glu26Gln)

Gene: ARHGEF10 (Rho guanine nucleotide exchange factor 10; plus strand). Cytogenetic location: 8p23.3.
Variant type: single nucleotide variant.
Coding change: c.76G>C on transcript NM_014629.4 (MANE Select); coding-DNA position 76, G replaced by C.
Protein change: p.Glu26Gln; replaces glutamic acid 26 with glutamine.
Molecular consequence: missense variant.
Genome position (GRCh38, 1-based): chr8:1,857,998, G>C. VCF-style: chr8-1857998-G-C. GRCh37 (hg19) VCF-style: chr8-1806164-G-C.
Other names: c.76G>C, p.Glu26Gln (NM_001308152.2, NM_001308153.3); short protein forms E26Q, E50Q.
Identifiers: ClinVar variation 1011332 (VCV001011332.8), dbSNP rs950205850, ClinGen allele CA170588669.

ClinVar aggregate classification (germline): Uncertain significance. Review status: criteria provided, multiple submitters, no conflicts (2 of 4 stars). 3 submissions from 3 submitters: Uncertain significance (3). Last evaluated 2025-12-03.

Allele frequency attached by ClinVar (database versions not stated): gnomAD exomes below 0.00001; gnomAD 0.00001; TOPMed 0.00005.
gnomAD v4.1: 33 of 1,613,942 alleles (0.002%); highest among the groups gnomAD compares: East Asian, 0.013%; no homozygotes.

Submissions (3):

Ambry Genetics
Classification: Uncertain significance. Last evaluated: 2025-12-03. Review status: criteria provided, single submitter. Criteria: Ambry Variant Classification Scheme 2023. Collection method: clinical testing. Allele origin: germline.

Labcorp Genetics (formerly Invitae), Labcorp
Classification: Uncertain significance. Last evaluated: 2025-06-11. Review status: criteria provided, single submitter. Criteria: Invitae Variant Classification Sherloc (09022015). Collection method: clinical testing. Allele origin: germline.
Comment: This sequence change replaces glutamic acid, which is acidic and polar, with glutamine, which is neutral and polar, at codon 26 of the ARHGEF10 protein (p.Glu26Gln). This variant is present in population databases (no rsID available, gnomAD no frequency). This variant has not been reported in the literature in individuals affected with ARHGEF10-related conditions. ClinVar contains an entry for this variant (Variation ID: 1011332). An algorithm developed to predict the effect of missense changes on protein structure and function (PolyPhen-2) suggests that this variant is likely to be disruptive. In summary, the available evidence is currently insufficient to determine the role of this variant in disease. Therefore, it has been classified as a Variant of Uncertain Significance.

Blueprint Genetics
Classification: Uncertain significance. Last evaluated: 2024-02-13. Review status: criteria provided, single submitter. Criteria: ACMG Guidelines, 2015. Collection method: clinical testing. Allele origin: germline.